The following is an entry in ClinVar:

ClinVar aggregate classification (germline): Uncertain significance (1 of 4 stars; one submission).

Allele frequency attached by ClinVar (database versions not stated): gnomAD exomes below 0.00001.
gnomAD v4.1: 3 of 1,195,116 alleles (0.00025%); highest among the groups gnomAD compares: Non-Finnish European, 0.00034%; no homozygotes.

Submission:

GeneDx
Classification: Uncertain significance. Last evaluated: 2023-12-09. Review status: criteria provided, single submitter. Criteria: GeneDx Variant Classification Process June 2021. Collection method: clinical testing. Allele origin: germline. Affected: yes.
Comment: Not observed at significant frequency in large population cohorts (gnomAD); In silico analysis supports that this missense variant does not alter protein structure/function; Has not been previously published as pathogenic or benign to our knowledge

NM_001291415.2(KDM6A):c.3323A>G (p.His1108Arg)

Gene: KDM6A (lysine demethylase 6A; plus strand). Cytogenetic location: Xp11.3.
Variant type: single nucleotide variant.
Coding change: c.3323A>G on transcript NM_001291415.2 (MANE Select); coding-DNA position 3323, A replaced by G.
Protein change: p.His1108Arg; replaces histidine 1108 with arginine.
Molecular consequence: missense variant. On other transcripts: non-coding transcript variant (1).
Genome position (GRCh38, 1-based): chrX:45,082,598, A>G. VCF-style: chrX-45082598-A-G. GRCh37 (hg19) VCF-style: chrX-44941843-A-G.
Other names: c.3188A>G, p.His1063Arg (NM_001291416.2, NM_001419811.1); c.3032A>G, p.His1011Arg (NM_001291417.2); c.2930A>G, p.His977Arg (NM_001291418.2, NM_001419815.1); c.2279A>G, p.His760Arg (NM_001291421.2); c.3065A>G, p.His1022Arg (NM_001410742.1, NM_001419814.1); c.3323A>G, p.His1108Arg (NM_001419809.1); c.3221A>G, p.His1074Arg (NM_001419810.1, NM_001419813.1); c.3167A>G, p.His1056Arg (NM_001419812.1, NM_021140.4); short protein forms H1011R, H1022R, H1056R, H1063R, H1074R, H1108R, H760R, H977R.
Identifiers: ClinVar variation 3253025 (VCV003253025.1), dbSNP rs2045463532.